The following is an entry in ClinVar:

ClinVar aggregate classification (germline): Conflicting classifications of pathogenicity. Review status: criteria provided, conflicting classifications (1 of 4 stars). 3 submissions from 3 submitters: Uncertain significance (1); Likely benign (2). Last evaluated 2025-11-05.

Allele frequency attached by ClinVar (database versions not stated): ExAC 0.00002; gnomAD exomes 0.00004 and 0.00005; gnomAD 0.00006 and 0.00007; TOPMed 0.00006; ESP Exome Variant Server 0.00015.
gnomAD v4.1: 89 of 1,613,950 alleles (0.0055%); highest among the groups gnomAD compares: Non-Finnish European, 0.0072%; no homozygotes.

Submissions (3):

Labcorp Genetics (formerly Invitae), Labcorp
Classification: Likely benign. Last evaluated: 2025-11-05. Review status: criteria provided, single submitter. Criteria: Invitae Variant Classification Sherloc (09022015). Collection method: clinical testing. Allele origin: germline.

GeneDx
Classification: Uncertain significance. Last evaluated: 2024-11-14. Review status: criteria provided, single submitter. Criteria: GeneDx Variant Classification Process June 2021. Collection method: clinical testing. Allele origin: germline. Affected: yes.
Comment: In silico analysis indicates that this variant does not alter splicing; Has not been previously published as pathogenic or benign to our knowledge

Women's Health and Genetics/Laboratory Corporation of America, LabCorp
Classification: Likely benign. Last evaluated: 2024-06-19. Review status: criteria provided, single submitter. Criteria: LabCorp Variant Classification Summary - May 2015. Collection method: clinical testing. Allele origin: germline.

NM_001128840.3(CACNA1D):c.4908C>T (p.Thr1636=)

Gene: CACNA1D (calcium voltage-gated channel subunit alpha1 D; plus strand). Cytogenetic location: 3p21.1.
Variant type: single nucleotide variant.
Coding change: c.4908C>T on transcript NM_001128840.3 (MANE Select); coding-DNA position 4908, C replaced by T.
Protein change: p.Thr1636=; no amino-acid change (threonine 1636 retained).
Molecular consequence: synonymous variant.
Genome position (GRCh38, 1-based): chr3:53,786,937, C>T. VCF-style: chr3-53786937-C-T. GRCh37 (hg19) VCF-style: chr3-53820964-C-T.
Other names: c.4968C>T, p.Thr1656= (NM_000720.4); c.4863C>T, p.Thr1621= (NM_001128839.3); c.4968C>T (NM_000720.2).
Identifiers: ClinVar variation 1596025 (VCV001596025.10), dbSNP rs373449217, ClinGen allele CA2455005.